The following is an entry in ClinVar:

ClinVar aggregate classification (germline): Likely benign. Review status: criteria provided, multiple submitters, no conflicts (2 of 4 stars). 3 submissions from 3 submitters: Likely benign (3). Last evaluated 2026-01-06.

Conditions:
NPC1-related disorder. Also called: NPC1-related condition.
Niemann-Pick disease, type C1. Also called: NIEMANN-PICK DISEASE, VARIANT TYPE C1; NEUROVISCERAL STORAGE DISEASE WITH VERTICAL SUPRANUCLEAR OPHTHALMOPLEGIA; NIEMANN-PICK DISEASE WITH CHOLESTEROL ESTERIFICATION BLOCK; NIEMANN-PICK DISEASE WITHOUT SPHINGOMYELINASE DEFICIENCY; NIEMANN-PICK DISEASE, CHRONIC NEURONOPATHIC FORM. Identifiers: Orphanet 646, MedGen C3179455, MONDO:0009757, OMIM 257220.

Allele frequency attached by ClinVar (database versions not stated): gnomAD exomes below 0.00001 and 0.00001; gnomAD 0.00001; TOPMed 0.00001; ExAC 0.00002; ESP Exome Variant Server 0.00015.
gnomAD v4.1: 5 of 1,612,596 alleles (0.00031%); highest among the groups gnomAD compares: African/African-American, 0.004%; no homozygotes.

Submissions (3):

PreventionGenetics, part of Exact Sciences
Classification: Likely benign for NPC1-related condition. Last evaluated: 2026-01-06. Review status: criteria provided, single submitter. Criteria: ACMG Guidelines, 2015. Collection method: clinical testing. Allele origin: germline.
Comment: This variant is classified as likely benign based on ACMG/AMP sequence variant interpretation guidelines (Richards et al. 2015 PMID: 25741868, with internal and published modifications).

Labcorp Genetics (formerly Invitae), Labcorp
Classification: Likely benign for Niemann-Pick disease, type C1. Last evaluated: 2024-06-13. Review status: criteria provided, single submitter. Criteria: Invitae Variant Classification Sherloc (09022015). Collection method: clinical testing. Allele origin: germline.

CeGaT Center for Human Genetics Tuebingen
Classification: Likely benign. Last evaluated: 2023-07-01. Review status: criteria provided, single submitter. Criteria: CeGaT Center For Human Genetics Tuebingen Variant Classification Criteria Version 2. Collection method: clinical testing. Allele origin: germline. Affected: yes. Observed: 1 variant allele.
Comment: NPC1: BP4, BP7

NM_000271.5(NPC1):c.888G>A (p.Arg296=)

Gene: NPC1 (NPC intracellular cholesterol transporter 1; minus strand). Cytogenetic location: 18q11.2.
Variant type: single nucleotide variant.
Coding change: c.888G>A on transcript NM_000271.5 (MANE Select); coding-DNA position 888, G replaced by A.
Protein change: p.Arg296=; no amino-acid change (arginine 296 retained).
Molecular consequence: synonymous variant.
Genome position (GRCh38, 1-based): chr18:23,557,184, C>T on the plus strand (G>A on the coding strand, the complement: NPC1 is on the minus strand). VCF-style: chr18-23557184-C-T. GRCh37 (hg19) VCF-style: chr18-21137148-C-T.
Other names: c.888G>A (NM_000271.4).
Identifiers: ClinVar variation 1551828 (VCV001551828.32), dbSNP rs369775984, ClinGen allele CA8913599.